The following is an entry in ClinVar:

ClinVar aggregate classification (germline): Conflicting classifications of pathogenicity. Review status: criteria provided, conflicting classifications (1 of 4 stars). 9 submissions from 8 submitters: Uncertain significance (1); Benign (2); Likely benign (3). 3 of the submissions do not count toward it. Last evaluated 2026-06-01.

Conditions:
Bardet-Biedl syndrome (BBS). Identifiers: Orphanet 110, MedGen C0752166, MONDO:0015229.
Retinal dystrophy. Also called: Inherited retinal dystrophy. Identifiers: Orphanet 71862, MedGen C0854723, MeSH D058499, MONDO:0019118, HP:0000556.
Retinitis pigmentosa (RP). Identifiers: Orphanet 791, MedGen C0035334, MeSH D012174, MONDO:0019200, OMIM 268000. Inheritance: Autosomal dominant, autosomal recessive and X linked inheritance.
Bardet-Biedl syndrome 8 (BBS8). Identifiers: Orphanet 110, MedGen C1859566, MONDO:0014436, OMIM 615985.

Allele frequency attached by ClinVar (database versions not stated): 1000 Genomes Project 30x 0.00109; 1000 Genomes Project 0.00140; TOPMed 0.00243; ESP Exome Variant Server 0.00392.

Submissions (9):

CeGaT Center for Human Genetics Tuebingen
Classification: Likely benign. Last evaluated: 2026-06-01. Review status: criteria provided, single submitter. Criteria: CeGaT Center For Human Genetics Tuebingen Variant Classification Criteria Version 2. Collection method: clinical testing. Allele origin: germline. Affected: yes. Observed: 17 variant alleles.
Comment: TTC8: BP4, BP7, BS2

Labcorp Genetics (formerly Invitae), Labcorp
Classification: Benign for Bardet-Biedl syndrome. Last evaluated: 2026-02-01. Review status: criteria provided, single submitter. Criteria: Invitae Variant Classification Sherloc (09022015). Collection method: clinical testing. Allele origin: germline.

Illumina Laboratory Services, Illumina
Classification: Likely benign for Bardet-Biedl syndrome 8. Last evaluated: 2018-01-12. Review status: criteria provided, single submitter. Criteria: ICSL Variant Classification Criteria 13 December 2019. Collection method: clinical testing. Allele origin: germline.
Comment: This variant was observed in the ICSL laboratory as part of a predisposition screen in an ostensibly healthy population. It had not been previously curated by ICSL or reported in the Human Gene Mutation Database (HGMD: prior to June 1st, 2018), and was therefore a candidate for classification through an automated scoring system. Utilizing variant allele frequency, disease prevalence and penetrance estimates, and inheritance mode, an automated score was calculated to assess if this variant is too frequent to cause the disease. Based on the score and internal cut-off values, a variant classified as likely benign is not then subjected to further curation. The score for this variant resulted in a classification of likely benign for this disease.

Illumina Laboratory Services, Illumina
Classification: Uncertain significance for Retinitis pigmentosa. Last evaluated: 2018-01-12. Review status: criteria provided, single submitter. Criteria: ICSL Variant Classification Criteria 13 December 2019. Collection method: clinical testing. Allele origin: germline.

Eurofins Ntd Llc (ga)
Classification: Benign. Last evaluated: 2015-11-02. Review status: criteria provided, single submitter. Criteria: EGL Classification Definitions 2015. Collection method: clinical testing. Allele origin: germline. Observed: 1 variant allele, 1 heterozygote.

PreventionGenetics, part of Exact Sciences
Classification: Likely benign. Review status: criteria provided, single submitter. Criteria: ACMG Guidelines, 2015. Collection method: clinical testing. Allele origin: germline.

Institute of Human Genetics, Univ. Regensburg, Univ. Regensburg
Classification: Benign for Retinal dystrophy. Last evaluated: 2012-01-01. Review status: no assertion criteria provided. Criteria: ACMG Guidelines, 2015. Collection method: clinical testing. Allele origin: germline. Affected: yes. Not counted in ClinVar's aggregate classification.

Genome Diagnostics Laboratory, Amsterdam University Medical Center
Classification: Benign. Review status: no assertion criteria provided. Collection method: clinical testing. Allele origin: germline. Affected: yes. Study: VKGL Data-share Consensus. Not counted in ClinVar's aggregate classification.

Genome Diagnostics Laboratory, University Medical Center Utrecht
Classification: Likely benign. Review status: no assertion criteria provided. Collection method: clinical testing. Allele origin: germline. Affected: yes. Study: VKGL Data-share Consensus. Not counted in ClinVar's aggregate classification.

NM_144596.4(TTC8):c.1464G>C (p.Ala488=)

Gene: TTC8 (tetratricopeptide repeat domain 8; plus strand). Cytogenetic location: 14q31.3.
Variant type: single nucleotide variant.
Coding change: c.1464G>C on transcript NM_144596.4 (MANE Select); coding-DNA position 1464, G replaced by C.
Protein change: p.Ala488=; no amino-acid change (alanine 488 retained).
Molecular consequence: synonymous variant. On other transcripts: non-coding transcript variant (1).
Genome position (GRCh38, 1-based): chr14:88,877,326, G>C. VCF-style: chr14-88877326-G-C. GRCh37 (hg19) VCF-style: chr14-89343670-G-C.
Other names: c.1434G>C, p.Ala478= (NM_198309.3); c.1512G>C, p.Ala504= (NM_001288781.1); c.870G>C, p.Ala290= (NM_001288782.1); c.747G>C, p.Ala249= (NM_001288783.1); c.1350G>C, p.Ala450= (NM_001366535.2); c.1260G>C, p.Ala420= (NM_001366536.2); c.1344G>C, p.Ala448= (NM_198310.3).
Identifiers: ClinVar variation 215548 (VCV000215548.44), dbSNP rs142073418, ClinGen allele CA336017.